The following is an entry in ClinVar:

ClinVar aggregate classification (germline): Uncertain significance (1 of 4 stars; one submission).

Submission:

Labcorp Genetics (formerly Invitae), Labcorp
Classification: Uncertain significance. Last evaluated: 2020-03-16. Review status: criteria provided, single submitter. Criteria: Invitae Variant Classification Sherloc (09022015). Collection method: clinical testing. Allele origin: germline.
Comment: In summary, the available evidence is currently insufficient to determine the role of this variant in disease. Therefore, it has been classified as a Variant of Uncertain Significance. Experimental studies and prediction algorithms are not available or were not evaluated, and the functional significance of this variant is currently unknown. This variant has not been reported in the literature in individuals with COL11A1-related conditions. This variant is not present in population databases (ExAC no frequency). This sequence change replaces glycine with cysteine at codon 1186 of the COL11A1 protein (p.Gly1186Cys). The glycine residue is highly conserved and there is a large physicochemical difference between glycine and cysteine.

NM_001854.4(COL11A1):c.3556G>T (p.Gly1186Cys)

Gene: COL11A1 (collagen type XI alpha 1 chain; minus strand). Cytogenetic location: 1p21.1.
Variant type: single nucleotide variant.
Coding change: c.3556G>T on transcript NM_001854.4 (MANE Select); coding-DNA position 3556, G replaced by T.
Protein change: p.Gly1186Cys; replaces glycine 1186 with cysteine.
Molecular consequence: missense variant. On other transcripts: non-coding transcript variant (1).
Genome position (GRCh38, 1-based): chr1:102,934,493, C>A on the plus strand (G>T on the coding strand, the complement: COL11A1 is on the minus strand). VCF-style: chr1-102934493-C-A. GRCh37 (hg19) VCF-style: chr1-103400049-C-A.
Other names: c.3439G>T, p.Gly1147Cys (NM_001190709.2); c.3592G>T, p.Gly1198Cys (NM_080629.3); c.3208G>T, p.Gly1070Cys (NM_080630.4); short protein forms G1070C, G1147C, G1186C, G1198C.
Identifiers: ClinVar variation 1025430 (VCV001025430.8), dbSNP rs1657938790, ClinGen allele CA341167449.
Genomic context (GRCh38, chr1:102,934,493, plus strand): 5'-GACAGGATCATCTTACCTGAAGACCTATTGGACCAGGAGGTCCAGGGAAGCCTCTGGCAC[C>A]CTCATCACCTTTTTGCCCAAACATCCCCTGCTGTCCTCTAGGACCTGGTTCACCATCACC-3'
Protein context (NP_001845.3, residues 1176-1196): QGMFGQKGDE[Gly1186Cys]ARGFPGPPGP